The following is an entry in ClinVar:

NM_024782.3(NHEJ1):c.707-7A>T

Genes: NHEJ1 (non-homologous end joining factor 1; minus strand), LOC126806516 (BRD4-independent group 4 enhancer GRCh37_chr2:219941606-219942805; plus strand). Cytogenetic location: 2q35.
Variant type: single nucleotide variant.
Coding change: c.707-7A>T on transcript NM_024782.3 (MANE Select); 7 bases into the intron before coding-DNA position 707, A replaced by T.
Molecular consequence: intron variant.
Genome position (GRCh38, 1-based): chr2:219,077,371, T>A on the plus strand (A>T on the coding strand, the complement: NHEJ1 is on the minus strand). VCF-style: chr2-219077371-T-A. GRCh37 (hg19) VCF-style: chr2-219942093-T-A.
Other names: c.722-7A>T (NM_001377499.1); c.707-7A>T (NM_001377498.1).
Identifiers: ClinVar variation 435982 (VCV000435982.48), dbSNP rs150521220, ClinGen allele CA2116871.

ClinVar aggregate classification (germline): Benign/Likely benign. Review status: criteria provided, multiple submitters, no conflicts (2 of 4 stars). 5 submissions from 5 submitters: Benign (1); Likely benign (4). Last evaluated 2026-01-28.

Conditions:
Cernunnos-XLF deficiency (IMD124). Also called: NHEJ1 SYNDROME; SCID, AUTOSOMAL RECESSIVE, T CELL-NEGATIVE, B CELL-NEGATIVE, NK CELL-POSITIVE, WITH MICROCEPHALY, GROWTH RETARDATION, AND SENSITIVITY TO IONIZING RADIATION; Severe combined immunodeficiency with sensitivity to ionizing radiation due to NHEJ1 deficiency; SCID, autosomal recessive, T cell-negative, B cell-negative, NK cell-positive, and sensitivity to ionizing radiation due to NHEJ1 deficiency; IMMUNODEFICIENCY 124, SEVERE COMBINED. Identifiers: Orphanet 169079, MedGen C1969799, MONDO:0012650, OMIM 611291.

Allele frequency attached by ClinVar (database versions not stated): gnomAD exomes 0.00015 and 0.00044; ExAC 0.00053; gnomAD 0.00166 and 0.00170; ESP Exome Variant Server 0.00177; TOPMed 0.00200; 1000 Genomes Project 30x 0.00312; 1000 Genomes Project 0.00339.

Submissions (5):

Labcorp Genetics (formerly Invitae), Labcorp
Classification: Benign for Cernunnos-XLF deficiency. Last evaluated: 2026-01-28. Review status: criteria provided, single submitter. Criteria: Invitae Variant Classification Sherloc (09022015). Collection method: clinical testing. Allele origin: germline.

Blueprint Genetics
Classification: Likely benign. Last evaluated: 2024-09-23. Review status: criteria provided, single submitter. Criteria: ACMG Guidelines, 2015. Collection method: clinical testing. Allele origin: germline.

CeGaT Center for Human Genetics Tuebingen
Classification: Likely benign. Last evaluated: 2022-09-01. Review status: criteria provided, single submitter. Criteria: CeGaT Center For Human Genetics Tuebingen Variant Classification Criteria Version 2. Collection method: clinical testing. Allele origin: germline. Affected: yes. Observed: 1 variant allele.
Comment: NHEJ1: BP4, BS1

GeneDx
Classification: Likely benign. Last evaluated: 2018-03-19. Review status: criteria provided, single submitter. Criteria: GeneDx Variant Classification (06012015). Collection method: clinical testing. Allele origin: germline. Affected: yes.
Comment: This variant is considered likely benign or benign based on one or more of the following criteria: it is a conservative change, it occurs at a poorly conserved position in the protein, it is predicted to be benign by multiple in silico algorithms, and/or has population frequency not consistent with disease.

Genetic Services Laboratory, University of Chicago
Classification: Likely benign. Last evaluated: 2015-12-11. Review status: criteria provided, single submitter. Criteria: ACMG Guidelines, 2015. Collection method: clinical testing. Allele origin: germline. Affected: no.